The following is an entry in ClinVar:

ClinVar aggregate classification (germline): Benign/Likely benign. Review status: criteria provided, multiple submitters, no conflicts (2 of 4 stars). 2 submissions from 2 submitters: Benign (1); Likely benign (1). Last evaluated 2024-09-08.

Conditions:
Oligodontia-cancer predisposition syndrome. Also called: TOOTH AGENESIS-COLORECTAL CANCER SYNDROME. Identifiers: Orphanet 300576, MedGen C1837750, MONDO:0012075, OMIM 608615. Disease mechanism: loss of function.

Allele frequency attached by ClinVar (database versions not stated): gnomAD exomes below 0.00001.

Submissions (2):

Labcorp Genetics (formerly Invitae), Labcorp
Classification: Likely benign for Oligodontia-cancer predisposition syndrome. Last evaluated: 2024-09-08. Review status: criteria provided, single submitter. Criteria: Invitae Variant Classification Sherloc (09022015). Collection method: clinical testing. Allele origin: germline.

Myriad Genetics, Inc.
Classification: Benign for Oligodontia-cancer predisposition syndrome. Last evaluated: 2024-06-25. Review status: criteria provided, single submitter. Criteria: Myriad Autosomal Dominant, Autosomal Recessive and X-Linked Classification Criteria (2023). Collection method: clinical testing. Allele origin: unknown.
Comment: This variant is considered benign. This variant is a silent/synonymous amino acid change and it is not expected to impact splicing.

NM_004655.4(AXIN2):c.231G>T (p.Arg77=)

Gene: AXIN2 (axin 2; minus strand). Cytogenetic location: 17q24.1.
Variant type: single nucleotide variant.
Coding change: c.231G>T on transcript NM_004655.4 (MANE Select); coding-DNA position 231, G replaced by T.
Protein change: p.Arg77=; no amino-acid change (arginine 77 retained).
Molecular consequence: synonymous variant.
Genome position (GRCh38, 1-based): chr17:65,558,390, C>A on the plus strand (G>T on the coding strand, the complement: AXIN2 is on the minus strand). VCF-style: chr17-65558390-C-A. GRCh37 (hg19) VCF-style: chr17-63554508-C-A.
Other names: c.231G>T, p.Arg77= (NM_001363813.1).
Identifiers: ClinVar variation 1459551 (VCV001459551.9), dbSNP rs2144589435, ClinGen allele CA501691426.